The following is an entry in ClinVar:

ClinVar aggregate classification (germline): Likely benign. Review status: criteria provided, single submitter (1 of 4 stars). 2 submissions from 2 submitters: Likely benign (1). 1 of the submissions does not count toward it. Last evaluated 2023-02-22.

Conditions:
BBS5-related disorder. Also called: BBS5-related condition.
Bardet-Biedl syndrome (BBS). Identifiers: Orphanet 110, MedGen C0752166, MONDO:0015229.

Allele frequency attached by ClinVar (database versions not stated): ExAC 0.00002; gnomAD exomes 0.00002.

Submissions (2):

Labcorp Genetics (formerly Invitae), Labcorp
Classification: Likely benign for Bardet-Biedl syndrome. Last evaluated: 2023-02-22. Review status: criteria provided, single submitter. Criteria: Invitae Variant Classification Sherloc (09022015). Collection method: clinical testing. Allele origin: germline.

PreventionGenetics, part of Exact Sciences
Classification: Likely benign for BBS5-related condition. Last evaluated: 2021-07-13. Review status: no assertion criteria provided. Collection method: clinical testing. Allele origin: germline. Not counted in ClinVar's aggregate classification.
Comment: This variant is classified as likely benign based on ACMG/AMP sequence variant interpretation guidelines (Richards et al. 2015 PMID: 25741868, with internal and published modifications).

NM_152384.3(BBS5):c.462G>C (p.Leu154=)

Gene: BBS5 (Bardet-Biedl syndrome 5; plus strand). Cytogenetic location: 2q31.1.
Variant type: single nucleotide variant.
Coding change: c.462G>C on transcript NM_152384.3 (MANE Select); coding-DNA position 462, G replaced by C.
Protein change: p.Leu154=; no amino-acid change (leucine 154 retained).
Molecular consequence: synonymous variant.
Genome position (GRCh38, 1-based): chr2:169,492,949, G>C. VCF-style: chr2-169492949-G-C. GRCh37 (hg19) VCF-style: chr2-170349459-G-C.
Identifiers: ClinVar variation 531838 (VCV000531838.11), dbSNP rs767240340, ClinGen allele CA1956211.
Genomic context (GRCh38, chr2:169,492,949, plus strand): 5'-TAAAATGTATCGTGATTTTAAATTAAGAAGTGCACTAATTCAGAACAAGCAACTAAGACT[G>C]TTGCCACAAGAACATGTATATGATAAAATAAATGGAGTTTGGAATTTATCCAGTGATCAG-3'
Protein context (NP_689597.1, residues 144-164): SALIQNKQLR[Leu154=]LPQEHVYDKI